The following is an entry in ClinVar:

ClinVar aggregate classification (germline): Uncertain significance. Review status: criteria provided, multiple submitters, no conflicts (2 of 4 stars). 4 submissions from 4 submitters: Uncertain significance (4). Last evaluated 2026-04-23.

Conditions:
Inborn genetic diseases. Identifiers: MedGen C0950123, MeSH D030342.
HPS4-related disorder. Also called: HPS4-related condition.

Allele frequency attached by ClinVar (database versions not stated): ExAC 0.00002; gnomAD exomes 0.00003 and 0.00005; gnomAD 0.00004; TOPMed 0.00006; ESP Exome Variant Server 0.00008.
gnomAD v4.1: 64 of 1,592,576 alleles (0.004%); highest among the groups gnomAD compares: Middle Eastern, 0.034%; no homozygotes.

Submissions (4):

PreventionGenetics, part of Exact Sciences
Classification: Uncertain significance for HPS4-related condition. Last evaluated: 2026-04-23. Review status: criteria provided, single submitter. Criteria: ACMG Guidelines, 2015. Collection method: clinical testing. Allele origin: germline.
Comment: The HPS4 c.836G>A variant is predicted to result in the amino acid substitution p.Gly279Asp. To our knowledge, this variant has not been reported in the literature. This variant is reported in 0.0066% of alleles in individuals of European (Non-Finnish) descent in gnomAD. At this time, the clinical significance of this variant is uncertain due to the absence of conclusive functional and genetic evidence.

Ambry Genetics
Classification: Uncertain significance for Inborn genetic diseases. Last evaluated: 2025-08-25. Review status: criteria provided, single submitter. Criteria: Ambry Variant Classification Scheme 2023. Collection method: clinical testing. Allele origin: germline.

Labcorp Genetics (formerly Invitae), Labcorp
Classification: Uncertain significance. Last evaluated: 2024-11-05. Review status: criteria provided, single submitter. Criteria: Invitae Variant Classification Sherloc (09022015). Collection method: clinical testing. Allele origin: germline.
Comment: This sequence change replaces glycine, which is neutral and non-polar, with aspartic acid, which is acidic and polar, at codon 279 of the HPS4 protein (p.Gly279Asp). This variant is present in population databases (rs143294921, gnomAD 0.005%). This variant has not been reported in the literature in individuals affected with HPS4-related conditions. ClinVar contains an entry for this variant (Variation ID: 1011235). An algorithm developed to predict the effect of missense changes on protein structure and function (PolyPhen-2) suggests that this variant¬†is likely to be tolerated. In summary, the available evidence is currently insufficient to determine the role of this variant in disease. Therefore, it has been classified as a Variant of Uncertain Significance.

Breakthrough Genomics
Classification: Uncertain significance. Review status: criteria provided, single submitter. Criteria: ACMG Guidelines, 2015. Collection method: not provided. Allele origin: germline. Inheritance: Autosomal dominant inheritance. Affected: yes.

NM_022081.6(HPS4):c.836G>A (p.Gly279Asp)

Gene: HPS4 (HPS4 biogenesis of lysosomal organelles complex 3 subunit 2; minus strand). Cytogenetic location: 22q12.1.
Variant type: single nucleotide variant.
Coding change: c.836G>A on transcript NM_022081.6 (MANE Select); coding-DNA position 836, G replaced by A.
Protein change: p.Gly279Asp; replaces glycine 279 with aspartic acid.
Molecular consequence: missense variant. On other transcripts: non-coding transcript variant (8).
Genome position (GRCh38, 1-based): chr22:26,464,794, C>T on the plus strand (G>A on the coding strand, the complement: HPS4 is on the minus strand). VCF-style: chr22-26464794-C-T. GRCh37 (hg19) VCF-style: chr22-26860760-C-T.
Other names: c.836G>A, p.Gly279Asp (NM_001349896.1, NM_001349898.2, NM_001349899.2 and 4 more transcripts); c.890G>A, p.Gly297Asp (NM_001349900.2, NM_001349901.1); c.821G>A, p.Gly274Asp (NM_152841.2); c.836G>A (NM_022081.5, NM_022081.4); short protein forms G274D, G279D, G297D.
Identifiers: ClinVar variation 1011235 (VCV001011235.8), dbSNP rs143294921, ClinGen allele CA10163461.